The following is an entry in ClinVar:

NM_014241.4(HACD1):c.257+5_257+20del

Genes: HACD1 (3-hydroxyacyl-CoA dehydratase 1; minus strand), LOC130003454 (ATAC-STARR-seq lymphoblastoid silent region 2183; plus strand). Cytogenetic location: 10p12.33.
Variant type: Deletion.
Coding change: c.257+5_257+20del on transcript NM_014241.4 (MANE Select); bases 5 to 20 of the intron after coding-DNA position 257, 16 bases deleted (GCGCGCCGCGGGGCAC).
Molecular consequence: intron variant.
Genome position (GRCh38, 1-based): chr10:17,617,063-17,617,078, GTGCCCCGCGGCGCGC deleted on the plus strand (GCGCGCCGCGGGGCAC on the coding strand, the reverse complement: HACD1 is on the minus strand); deleting any 16 consecutive bases within chr10:17,617,063-17,617,080 gives the same sequence; the c. name uses the placement nearest the transcript's 3' end. VCF-style (leftmost placement, unchanged base first): chr10-17617062-GGTGCCCCGCGGCGCGC-G. GRCh37 (hg19) VCF-style: chr10-17659061-GGTGCCCCGCGGCGCGC-G.
Identifiers: ClinVar variation 1368313 (VCV001368313.6), dbSNP rs2131527819, ClinGen allele CA2573145036.
Genomic context (GRCh38, chr10:17,617,062, plus strand): 5'-CCCGGCCCGCGCCCCCTGAACCCGGAACCTCCGCGGACCGCGGCGCGGGGAGGGCCCGAG[GGTGCCCCGCGGCGCGC>G]GTACCCCGCGGTCATGGCGATGTCGTAGAAGGTGAGCCAGGCGGTGGCCAAGACCCCCAG-3'

ClinVar aggregate classification (germline): Uncertain significance (1 of 4 stars; one submission).

Submission:

Labcorp Genetics (formerly Invitae), Labcorp
Classification: Uncertain significance. Last evaluated: 2021-07-17. Review status: criteria provided, single submitter. Criteria: Invitae Variant Classification Sherloc (09022015). Collection method: clinical testing. Allele origin: germline.
Comment: In summary, the available evidence is currently insufficient to determine the role of this variant in disease. Therefore, it has been classified as a Variant of Uncertain Significance. Nucleotide substitutions within the consensus splice site are a relatively common cause of aberrant splicing (PMID: 17576681, 9536098). Algorithms developed to predict the effect of sequence changes on RNA splicing suggest that this variant may disrupt the consensus splice site. This variant has not been reported in the literature in individuals affected with HACD1-related conditions. The frequency data for this variant in the population databases is considered unreliable, as metrics indicate insufficient coverage at this position in the ExAC database. This sequence change falls in intron 1 of the HACD1 gene. It does not directly change the encoded amino acid sequence of the HACD1 protein. It affects a nucleotide within the consensus splice site of the intron.

Literature cited by the submitters: PubMed 17576681; PubMed 9536098.